The following is an entry in ClinVar:

ClinVar aggregate classification (germline): Conflicting classifications of pathogenicity. Review status: criteria provided, conflicting classifications (1 of 4 stars). 5 submissions from 5 submitters: Uncertain significance (4); Likely benign (1). Last evaluated 2025-11-03.

Conditions:
Febrile seizures, familial, 4 (FEB4). Also called: CONVULSIONS, FAMILIAL FEBRILE, 4. Identifiers: MedGen C1858493, MONDO:0011443, OMIM 604352.
Usher syndrome type 2C. Also called: Usher syndrome, type 2B; USHER SYNDROME, TYPE IIC. Identifiers: Orphanet 231178, Orphanet 886, MedGen C2931213, MONDO:0011558, OMIM 605472.

Allele frequency attached by ClinVar (database versions not stated): TOPMed 0.00008; gnomAD 0.00011; 1000 Genomes Project 30x 0.00016; gnomAD exomes 0.00016 and 0.00034; 1000 Genomes Project 0.00020; ExAC 0.00046.
gnomAD v4.1: 276 of 1,605,302 alleles (0.017%); highest among the groups gnomAD compares: Non-Finnish European, 0.017%; 1 homozygote.

Submissions (5):

Labcorp Genetics (formerly Invitae), Labcorp
Classification: Likely benign. Last evaluated: 2025-11-03. Review status: criteria provided, single submitter. Criteria: Invitae Variant Classification Sherloc (09022015). Collection method: clinical testing. Allele origin: germline.

Blueprint Genetics
Classification: Uncertain significance. Last evaluated: 2024-09-20. Review status: criteria provided, single submitter. Criteria: ACMG Guidelines, 2015. Collection method: clinical testing. Allele origin: germline.

GeneDx
Classification: Uncertain significance. Last evaluated: 2022-12-16. Review status: criteria provided, single submitter. Criteria: GeneDx Variant Classification Process June 2021. Collection method: clinical testing. Allele origin: germline. Affected: yes.
Comment: In silico analysis supports a deleterious effect on splicing; In silico analysis supports that this missense variant does not alter protein structure/function; Has not been previously published as pathogenic or benign to our knowledge

Fulgent Genetics
Classification: Uncertain significance for Febrile seizures, familial, 4; Usher syndrome type 2C. Last evaluated: 2021-11-17. Review status: criteria provided, single submitter. Criteria: ACMG Guidelines, 2015. Collection method: clinical testing. Allele origin: unknown.

Eurofins Ntd Llc (ga)
Classification: Uncertain significance. Last evaluated: 2017-02-02. Review status: criteria provided, single submitter. Criteria: EGL Classification Definitions 2015. Collection method: clinical testing. Allele origin: germline. Observed: 1 variant allele, 1 heterozygote.

NM_032119.4(ADGRV1):c.12818A>G (p.His4273Arg)

Gene: ADGRV1 (adhesion G protein-coupled receptor V1; plus strand). Cytogenetic location: 5q14.3.
Variant type: single nucleotide variant.
Coding change: c.12818A>G on transcript NM_032119.4 (MANE Select); coding-DNA position 12818, A replaced by G.
Protein change: p.His4273Arg; replaces histidine 4273 with arginine.
Molecular consequence: missense variant. On other transcripts: non-coding transcript variant (1).
Genome position (GRCh38, 1-based): chr5:90,778,578, A>G. VCF-style: chr5-90778578-A-G. GRCh37 (hg19) VCF-style: chr5-90074395-A-G.
Other names: short protein forms H4273R.
Identifiers: ClinVar variation 500115 (VCV000500115.15), dbSNP rs201480340, ClinGen allele CA3341339.